The following is an entry in ClinVar:

NM_000552.5(VWF):c.1306C>T (p.Arg436Cys)

Gene: VWF (von Willebrand factor; minus strand). Cytogenetic location: 12p13.31.
Variant type: single nucleotide variant.
Coding change: c.1306C>T on transcript NM_000552.5 (MANE Select); coding-DNA position 1306, C replaced by T.
Protein change: p.Arg436Cys; replaces arginine 436 with cysteine.
Molecular consequence: missense variant.
Genome position (GRCh38, 1-based): chr12:6,064,372, G>A on the plus strand (C>T on the coding strand, the complement: VWF is on the minus strand). VCF-style: chr12-6064372-G-A. GRCh37 (hg19) VCF-style: chr12-6173538-G-A.
Other names: c.1306C>T (NM_000552.3); short protein forms R436C.
Identifiers: ClinVar variation 993124 (VCV000993124.6), dbSNP rs145443126, ClinGen allele CA6403458.

ClinVar aggregate classification (germline): Uncertain significance. Review status: criteria provided, multiple submitters, no conflicts (2 of 4 stars). 4 submissions from 4 submitters: Uncertain significance (4). Last evaluated 2026-05-28.

Allele frequency attached by ClinVar (database versions not stated): ExAC 0.00019; 1000 Genomes Project 30x 0.00016; gnomAD 0.00032 and 0.00034; TOPMed 0.00033; gnomAD exomes 0.00012; 1000 Genomes Project 0.00020; ESP Exome Variant Server 0.00038.

Submissions (4):

Women's Health and Genetics/Laboratory Corporation of America, LabCorp
Classification: Uncertain significance. Last evaluated: 2026-05-28. Review status: criteria provided, single submitter. Criteria: LabCorp Variant Classification Summary - May 2015. Collection method: clinical testing. Allele origin: germline.
Comment: Variant summary: VWF c.1306C>T (p.Arg436Cys) results in a non-conservative amino acid change in the encoded protein sequence. Algorithms developed to predict the effect of missense changes on protein structure and function are either unavailable or do not agree on the potential impact of this missense change. The variant allele was found at a frequency of 0.00012 in 249864 control chromosomes. This frequency is not significantly higher than estimated for disease-causing variants in VWF, allowing no conclusion about variant significance. To our knowledge, no occurrence of c.1306C>T in individuals affected with VWF-related conditions and no experimental evidence demonstrating its impact on protein function have been reported. The following publication has been ascertained in the context of this evaluation (PMID: 22197721). ClinVar contains an entry for this variant (Variation ID: 993124). Based on the evidence outlined above, the variant was classified as uncertain significance.

GeneDx
Classification: Uncertain significance. Last evaluated: 2026-02-18. Review status: criteria provided, single submitter. Criteria: GeneDx Variant Classification Process June 2021. Collection method: clinical testing. Allele origin: germline.
Comment: Identified in a healthy control subject (PMID: 22197721); In silico analysis suggests that this missense variant does not alter protein structure/function; This variant is associated with the following publications: (PMID: 22197721)

Quest Diagnostics Nichols Institute San Juan Capistrano
Classification: Uncertain significance. Last evaluated: 2025-01-31. Review status: criteria provided, single submitter. Criteria: Quest Diagnostics criteria. Collection method: clinical testing. Allele origin: unknown.
Comment: The VWF c.1306C>T (p.Arg436Cys) variant has been identified in the published literature in a reportedly healthy individual (PMID: 22197721 (2012)). The frequency of this variant in the general population (Genome Aggregation Database) is uninformative in the assessment of its pathogenicity. Analysis of this variant using bioinformatics tools for the prediction of the effect of amino acid changes on protein structure and function yielded conflicting predictions that this variant is benign or damaging. Based on the available information, we are unable to determine the clinical significance of this variant.

Breakthrough Genomics
Classification: Uncertain significance. Review status: criteria provided, single submitter. Criteria: ACMG Guidelines, 2015. Collection method: not provided. Allele origin: germline. Inheritance: Autosomal recessive inheritance. Affected: yes.

Literature cited by the submitters: PubMed 22197721 (cited by Women's Health and Genetics/Laboratory Corporation of America, LabCorp and Quest Diagnostics Nichols Institute San Juan Capistrano).